The following is an entry in ClinVar:

NM_004793.4(LONP1):c.857C>T (p.Thr286Met)

Gene: LONP1 (lon peptidase 1, mitochondrial; minus strand). Cytogenetic location: 19p13.3.
Variant type: single nucleotide variant.
Coding change: c.857C>T on transcript NM_004793.4 (MANE Select); coding-DNA position 857, C replaced by T.
Protein change: p.Thr286Met; replaces threonine 286 with methionine.
Molecular consequence: missense variant. On other transcripts: non-coding transcript variant (1).
Genome position (GRCh38, 1-based): chr19:5,711,784, G>A on the plus strand (C>T on the coding strand, the complement: LONP1 is on the minus strand). VCF-style: chr19-5711784-G-A. GRCh37 (hg19) VCF-style: chr19-5711795-G-A.
Other names: c.665C>T, p.Thr222Met (NM_001276479.2); c.269C>T, p.Thr90Met (NM_001276480.1); c.857C>T (NM_004793.2); short protein forms T222M, T286M, T90M.
Identifiers: ClinVar variation 3610605 (VCV003610605.3).
Genomic context (GRCh38, chr19:5,711,784, plus strand): 5'-CCGTGGGGGAGGCAGCTGTGGCCGCCCTGCGTGACGCACGGACTCACTTTCACCTCCTCC[G>A]TGACCTGGAAGTCCTCGTGGACAACGTTCTCTACCTCCACCATGAGCACCTCAGCCGGGA-3'
Protein context (NP_004784.2, residues 276-296): ENVVHEDFQV[Thr286Met]EEVKALTAEI

ClinVar aggregate classification (germline): Uncertain significance. Review status: criteria provided, multiple submitters, no conflicts (2 of 4 stars). 2 submissions from 2 submitters: Uncertain significance (2). Last evaluated 2025-12-16.

Conditions:
Inborn genetic diseases. Identifiers: MedGen C0950123, MeSH D030342.

gnomAD v4.1: 5 of 1,608,848 alleles (0.00031%); highest among the groups gnomAD compares: South Asian, 0.0022%; no homozygotes.

Submissions (2):

Ambry Genetics
Classification: Uncertain significance for Inborn genetic diseases. Last evaluated: 2025-12-16. Review status: criteria provided, single submitter. Criteria: Ambry Variant Classification Scheme 2023. Collection method: clinical testing. Allele origin: germline.

Labcorp Genetics (formerly Invitae), Labcorp
Classification: Uncertain significance. Last evaluated: 2024-07-06. Review status: criteria provided, single submitter. Criteria: Invitae Variant Classification Sherloc (09022015). Collection method: clinical testing. Allele origin: germline.
Comment: This sequence change replaces threonine, which is neutral and polar, with methionine, which is neutral and non-polar, at codon 286 of the LONP1 protein (p.Thr286Met). This variant is present in population databases (no rsID available, gnomAD 0.007%). This variant has not been reported in the literature in individuals affected with LONP1-related conditions. Advanced modeling of protein sequence and biophysical properties (such as structural, functional, and spatial information, amino acid conservation, physicochemical variation, residue mobility, and thermodynamic stability) performed at Invitae indicates that this missense variant is not expected to disrupt LONP1 protein function with a negative predictive value of 80%. In summary, the available evidence is currently insufficient to determine the role of this variant in disease. Therefore, it has been classified as a Variant of Uncertain Significance.